The following is an entry in ClinVar:

ClinVar aggregate classification (germline): Uncertain significance (1 of 4 stars; one submission).

Conditions:
Inborn genetic diseases. Identifiers: MedGen C0950123, MeSH D030342.

Allele frequency attached by ClinVar (database versions not stated): TOPMed 0.00001.

Submission:

Ambry Genetics
Classification: Uncertain significance for Inborn genetic diseases. Last evaluated: 2021-03-29. Review status: criteria provided, single submitter. Criteria: Ambry Variant Classification Scheme 2023. Collection method: clinical testing. Allele origin: germline.
Comment: The c.1402T>C (p.Y468H) alteration is located in exon 9 (coding exon 7) of the DHCR7 gene. This alteration results from a T to C substitution at nucleotide position 1402, causing the tyrosine (Y) at amino acid position 468 to be replaced by a histidine (H). The p.Y468H alteration is predicted to be tolerated by in silico analysis. Based on insufficient or conflicting evidence, the clinical significance of this alteration remains unclear.

NM_001360.3(DHCR7):c.1402T>C (p.Tyr468His)

Gene: DHCR7 (7-dehydrocholesterol reductase; minus strand). Cytogenetic location: 11q13.4.
Variant type: single nucleotide variant.
Coding change: c.1402T>C on transcript NM_001360.3 (MANE Select); coding-DNA position 1402, T replaced by C.
Protein change: p.Tyr468His; replaces tyrosine 468 with histidine.
Molecular consequence: missense variant.
Genome position (GRCh38, 1-based): chr11:71,435,401, A>G on the plus strand (T>C on the coding strand, the complement: DHCR7 is on the minus strand). VCF-style: chr11-71435401-A-G. GRCh37 (hg19) VCF-style: chr11-71146447-A-G.
Other names: c.1402T>C, p.Tyr468His (NM_001163817.2); short protein forms Y468H.
Identifiers: ClinVar variation 2230257 (VCV002230257.2), dbSNP rs1245549808, ClinGen allele CA381700479.